The following is an entry in ClinVar:

ClinVar aggregate classification (germline): Uncertain significance. Review status: criteria provided, multiple submitters, no conflicts (2 of 4 stars). 2 submissions from 2 submitters: Uncertain significance (2). Last evaluated 2025-08-14.

Conditions:
Inborn genetic diseases. Identifiers: MedGen C0950123, MeSH D030342.

Allele frequency attached by ClinVar (database versions not stated): gnomAD 0.00008; TOPMed 0.00009.

Submissions (2):

Ambry Genetics
Classification: Uncertain significance for Inborn genetic diseases. Last evaluated: 2025-08-14. Review status: criteria provided, single submitter. Criteria: Ambry Variant Classification Scheme 2023. Collection method: clinical testing. Allele origin: germline.

Labcorp Genetics (formerly Invitae), Labcorp
Classification: Uncertain significance. Last evaluated: 2022-06-07. Review status: criteria provided, single submitter. Criteria: Invitae Variant Classification Sherloc (09022015). Collection method: clinical testing. Allele origin: germline.
Comment: This sequence change replaces valine, which is neutral and non-polar, with glycine, which is neutral and non-polar, at codon 945 of the ADAMTS13 protein (p.Val945Gly). This variant is present in population databases (rs782770168, gnomAD 0.02%). This variant has not been reported in the literature in individuals affected with ADAMTS13-related conditions. Algorithms developed to predict the effect of missense changes on protein structure and function (SIFT, PolyPhen-2, Align-GVGD) all suggest that this variant is likely to be tolerated. In summary, the available evidence is currently insufficient to determine the role of this variant in disease. Therefore, it has been classified as a Variant of Uncertain Significance.

NM_139027.6(ADAMTS13):c.2834T>G (p.Val945Gly)

Gene: ADAMTS13 (ADAM metallopeptidase with thrombospondin type 1 motif 13; plus strand). Cytogenetic location: 9q34.2.
Variant type: single nucleotide variant.
Coding change: c.2834T>G on transcript NM_139027.6 (MANE Select); coding-DNA position 2834, T replaced by G.
Protein change: p.Val945Gly; replaces valine 945 with glycine.
Molecular consequence: missense variant. On other transcripts: non-coding transcript variant (1).
Genome position (GRCh38, 1-based): chr9:133,448,701, T>G. VCF-style: chr9-133448701-T-G. GRCh37 (hg19) VCF-style: chr9-136313822-T-G.
Other names: c.2834T>G, p.Val945Gly (NM_139025.5); c.2741T>G, p.Val914Gly (NM_139026.6); short protein forms V945G, V914G.
Identifiers: ClinVar variation 2072027 (VCV002072027.3), dbSNP rs782770168, ClinGen allele CA200939088.